The following is an entry in ClinVar:

NM_000516.7(GNAS):c.585+1G>A

Gene: GNAS (GNAS complex locus; plus strand). Cytogenetic location: 20q13.32.
Variant type: single nucleotide variant.
Coding change: c.585+1G>A on transcript NM_000516.7 (MANE Select); the canonical splice donor site of the intron after coding-DNA position 585, G replaced by A.
Molecular consequence: splice donor variant.
Genome position (GRCh38, 1-based): chr20:58,909,217, G>A. VCF-style: chr20-58909217-G-A. GRCh37 (hg19) VCF-style: chr20-57484272-G-A.
Other names: c.*491+1G>A (NM_016592.5); c.489+1G>A (NM_001410912.1); c.408+1G>A (NM_001309861.2, NM_001309840.2); c.*446+1G>A (NM_001077490.3); c.2514+1G>A (NM_080425.4); c.2469+1G>A (NM_001410913.1); c.588+1G>A (NM_001077488.5); c.543+1G>A (NM_080426.4); and 1 more.
Identifiers: ClinVar variation 2572583 (VCV002572583.1), dbSNP rs2517227084, ClinGen allele CA409452068.

ClinVar aggregate classification (germline): Likely pathogenic (1 of 4 stars; one submission).

Conditions:
Pseudohypoparathyroidism type I A (PHP1A). Also called: ALBRIGHT HEREDITARY OSTEODYSTROPHY WITH MULTIPLE HORMONE RESISTANCE; PHP IA; Pseudohypoparathyroidism Ia (PHP-Ia); Pseudohypoparathyroidism type 1A; Pseudohypoparathyroidism Type IA. Identifiers: Orphanet 79443, MedGen C3494506, MONDO:0007078, OMIM 103580.

Submission:

3billion
Classification: Likely pathogenic for Pseudohypoparathyroidism type I A. Review status: criteria provided, single submitter. Criteria: ACMG Guidelines, 2015. Collection method: clinical testing. Allele origin: unknown. Affected: yes. Observed: 1 heterozygote.
Comment: The splice variant is not observed in the gnomAD v2.1.1 dataset. This variant at canonical splice site is predicted to alter splicing and result in a loss or disruption of normal protein function. Multiple pathogenic loss-of-function variants are reported downstream of the variant. Therefore, this variant is classified as likely pathogenic according to the recommendation of ACMG/AMP guideline.